The following is an entry in ClinVar:

ClinVar aggregate classification (germline): Uncertain significance (1 of 4 stars; one submission).

Conditions:
PLXNA4-related disorder. Also called: PLXNA4-related condition.

gnomAD v4.1: 5 of 1,613,570 alleles (0.00031%); highest among the groups gnomAD compares: Admixed American, 0.0067%; no homozygotes.

Submission:

PreventionGenetics, part of Exact Sciences
Classification: Uncertain significance for PLXNA4-related condition. Last evaluated: 2026-05-21. Review status: criteria provided, single submitter. Criteria: ACMG Guidelines, 2015. Collection method: clinical testing. Allele origin: germline.
Comment: The PLXNA4 c.2756G>A variant is predicted to result in the amino acid substitution p.Gly919Glu. To our knowledge, this variant has not been reported in the literature. This variant is reported in 0.011% of alleles in individuals of Latino descent in gnomAD. At this time, the clinical significance of this variant is uncertain due to the absence of conclusive functional and genetic evidence.

NM_020911.2(PLXNA4):c.2756G>A (p.Gly919Glu)

Gene: PLXNA4 (plexin A4; minus strand). Cytogenetic location: 7q32.3.
Variant type: single nucleotide variant.
Coding change: c.2756G>A on transcript NM_020911.2 (MANE Select); coding-DNA position 2756, G replaced by A.
Protein change: p.Gly919Glu; replaces glycine 919 with glutamic acid.
Molecular consequence: missense variant.
Genome position (GRCh38, 1-based): chr7:132,194,162, C>T on the plus strand (G>A on the coding strand, the complement: PLXNA4 is on the minus strand). VCF-style: chr7-132194162-C-T. GRCh37 (hg19) VCF-style: chr7-131878921-C-T.
Other names: c.2756G>A, p.Gly919Glu (NM_001393897.1); short protein forms G919E.
Identifiers: ClinVar variation 4987746 (VCV004987746.1).